The following is an entry in ClinVar:

NM_024675.4(PALB2):c.1080C>T (p.Asp360=)

Gene: PALB2 (partner and localizer of BRCA2; minus strand). Cytogenetic location: 16p12.2.
Variant type: single nucleotide variant.
Coding change: c.1080C>T on transcript NM_024675.4 (MANE Select); coding-DNA position 1080, C replaced by T.
Protein change: p.Asp360=; no amino-acid change (aspartic acid 360 retained).
Molecular consequence: synonymous variant.
Genome position (GRCh38, 1-based): chr16:23,635,466, G>A on the plus strand (C>T on the coding strand, the complement: PALB2 is on the minus strand). VCF-style: chr16-23635466-G-A. GRCh37 (hg19) VCF-style: chr16-23646787-G-A.
Identifiers: ClinVar variation 741704 (VCV000741704.17), dbSNP rs1415958873, ClinGen allele CA494461569.

ClinVar aggregate classification (germline): Benign/Likely benign. Review status: criteria provided, multiple submitters, no conflicts (2 of 4 stars). 3 submissions from 3 submitters: Benign (1); Likely benign (2). Last evaluated 2025-01-13.

Conditions:
Familial cancer of breast. Also called: BREAST CANCER, FAMILIAL; hereditary breast carcinoma; Hereditary breast cancer. Identifiers: Orphanet 227535, MedGen C0346153, MONDO:0016419, OMIM 114480. Disease mechanism: loss of function.
Hereditary cancer-predisposing syndrome. Also called: Neoplastic Syndromes, Hereditary; Hereditary Cancer Syndrome; Tumor predisposition; Hereditary neoplastic syndrome. Identifiers: Orphanet 140162, MedGen C0027672, MeSH D009386, MONDO:0015356.

Allele frequency attached by ClinVar (database versions not stated): TOPMed 0.00002.

Submissions (3):

Myriad Genetics, Inc.
Classification: Benign for Familial cancer of breast. Last evaluated: 2025-01-13. Review status: criteria provided, single submitter. Criteria: Myriad Autosomal Dominant, Autosomal Recessive and X-Linked Classification Criteria (2023). Collection method: clinical testing. Allele origin: unknown.
Comment: This variant is considered benign. This variant is a silent/synonymous amino acid change and it is not expected to impact splicing.

Labcorp Genetics (formerly Invitae), Labcorp
Classification: Likely benign for Familial cancer of breast. Last evaluated: 2024-10-29. Review status: criteria provided, single submitter. Criteria: Invitae Variant Classification Sherloc (09022015). Collection method: clinical testing. Allele origin: germline.

Ambry Genetics
Classification: Likely benign for Hereditary cancer-predisposing syndrome. Last evaluated: 2019-12-17. Review status: criteria provided, single submitter. Criteria: Ambry Variant Classification Scheme 2023. Collection method: clinical testing. Allele origin: germline.